The following is an entry in ClinVar:

ClinVar aggregate classification (germline): Uncertain significance. Review status: criteria provided, multiple submitters, no conflicts (2 of 4 stars). 3 submissions from 3 submitters: Uncertain significance (3). Last evaluated 2024-10-17.

Conditions:
Pierson syndrome. Also called: MICROCORIA-CONGENITAL NEPHROTIC SYNDROME. Identifiers: Orphanet 2670, MedGen C1836876, MONDO:0012184, OMIM 609049.
LAMB2-related infantile-onset nephrotic syndrome. Also called: Nephrotic Syndrome, type 5; NEPHROTIC SYNDROME, TYPE 5, WITHOUT OCULAR ABNORMALITIES; NEPHROTIC SYNDROME, TYPE 5, WITH OCULAR ABNORMALITIES. Identifiers: Orphanet 306507, MedGen C3280113, MONDO:0013621, OMIM 614199.
Inborn genetic diseases. Identifiers: MedGen C0950123, MeSH D030342.

Allele frequency attached by ClinVar (database versions not stated): TOPMed 0.00002.
gnomAD v4.1: 25 of 1,612,526 alleles (0.0016%); highest among the groups gnomAD compares: Admixed American, 0.042%; no homozygotes.

Submissions (3):

Labcorp Genetics (formerly Invitae), Labcorp
Classification: Uncertain significance for LAMB2-related infantile-onset nephrotic syndrome; Pierson syndrome. Last evaluated: 2024-10-17. Review status: criteria provided, single submitter. Criteria: Invitae Variant Classification Sherloc (09022015). Collection method: clinical testing. Allele origin: germline.
Comment: This sequence change replaces proline, which is neutral and non-polar, with histidine, which is basic and polar, at codon 722 of the LAMB2 protein (p.Pro722His). This variant is present in population databases (rs764955129, gnomAD 0.06%). This variant has not been reported in the literature in individuals affected with LAMB2-related conditions. ClinVar contains an entry for this variant (Variation ID: 945280). An algorithm developed to predict the effect of missense changes on protein structure and function (PolyPhen-2) suggests that this variant is likely to be disruptive. In summary, the available evidence is currently insufficient to determine the role of this variant in disease. Therefore, it has been classified as a Variant of Uncertain Significance.

Ambry Genetics
Classification: Uncertain significance for Inborn genetic diseases. Last evaluated: 2022-03-31. Review status: criteria provided, single submitter. Criteria: Ambry Variant Classification Scheme 2023. Collection method: clinical testing. Allele origin: germline.

Fulgent Genetics
Classification: Uncertain significance for Pierson syndrome; LAMB2-related infantile-onset nephrotic syndrome. Last evaluated: 2022-01-12. Review status: criteria provided, single submitter. Criteria: ACMG Guidelines, 2015. Collection method: clinical testing. Allele origin: unknown.

NM_002292.4(LAMB2):c.2165C>A (p.Pro722His)

Gene: LAMB2 (laminin subunit beta 2; minus strand). Cytogenetic location: 3p21.31.
Variant type: single nucleotide variant.
Coding change: c.2165C>A on transcript NM_002292.4 (MANE Select); coding-DNA position 2165, C replaced by A.
Protein change: p.Pro722His; replaces proline 722 with histidine.
Molecular consequence: missense variant.
Genome position (GRCh38, 1-based): chr3:49,126,146, G>T on the plus strand (C>A on the coding strand, the complement: LAMB2 is on the minus strand). VCF-style: chr3-49126146-G-T. GRCh37 (hg19) VCF-style: chr3-49163579-G-T.
Other names: short protein forms P722H.
Identifiers: ClinVar variation 945280 (VCV000945280.7), dbSNP rs764955129, ClinGen allele CA2394367.
Genomic context (GRCh38, chr3:49,126,146, plus strand): 5'-GCCTGGCGCTCCAGGGCAGCAGCATCACCCCCACTAAACATCTCTAGCACCAGGACACGG[G>T]GCAGCAGCACCAGCTGAAGGAGTGAGCAAGGAAGATCGCAGTTCAGACCTGGGACCACGT-3'
Protein context (NP_002283.3, residues 712-732): GLLIDSLVLL[Pro722His]RVLVLEMFSG